The following is an entry in ClinVar:

NM_004698.4(PRPF3):c.1283-61_1283-60insT

Gene: PRPF3 (pre-mRNA processing factor 3; plus strand). Cytogenetic location: 1q21.2.
Variant type: Insertion.
Coding change: c.1283-61_1283-60insT on transcript NM_004698.4 (MANE Select); 61 bases into the intron before coding-DNA position 1283 through 60 bases into the intron before coding-DNA position 1283, T inserted.
Molecular consequence: intron variant.
Genome position: GRCh38 VCF-style: chr1-150343248-A-AT. GRCh37 (hg19) VCF-style: chr1-150315724-A-AT.
Other names: c.878-61_878-60insT (NM_001350529.1).
Identifiers: ClinVar variation 5039085 (VCV005039085.1).

ClinVar aggregate classification (germline): Likely benign (1 of 4 stars; one submission).

Submission:

CeGaT Center for Human Genetics Tuebingen
Classification: Likely benign. Last evaluated: 2026-07-01. Review status: criteria provided, single submitter. Criteria: CeGaT Center For Human Genetics Tuebingen Variant Classification Criteria Version 2. Collection method: clinical testing. Allele origin: germline. Affected: yes. Observed: 1 variant allele.
Comment: PRPF3: BS1